The following is an entry in ClinVar:

NM_001145809.2(MYH14):c.604G>T (p.Ala202Ser)

Gene: MYH14 (myosin heavy chain 14; plus strand). Cytogenetic location: 19q13.33.
Variant type: single nucleotide variant.
Coding change: c.604G>T on transcript NM_001145809.2 (MANE Select); coding-DNA position 604, G replaced by T.
Protein change: p.Ala202Ser; replaces alanine 202 with serine.
Molecular consequence: missense variant.
Genome position (GRCh38, 1-based): chr19:50,223,260, G>T. VCF-style: chr19-50223260-G-T. GRCh37 (hg19) VCF-style: chr19-50726517-G-T.
Other names: c.604G>T, p.Ala202Ser (NM_001077186.2, NM_024729.4); short protein forms A202S.
Identifiers: ClinVar variation 2443672 (VCV002443672.1), dbSNP rs764078299, ClinGen allele CA9592329.

ClinVar aggregate classification (germline): Uncertain significance (1 of 4 stars; one submission).

Allele frequency attached by ClinVar (database versions not stated): TOPMed below 0.00001; ExAC 0.00001.
gnomAD v4.1: 1 of 1,613,066 alleles (0.000062%); highest among the groups gnomAD compares: South Asian, 0.0011%; no homozygotes.

Submission:

GeneDx
Classification: Uncertain significance. Last evaluated: 2022-09-13. Review status: criteria provided, single submitter. Criteria: GeneDx Variant Classification Process June 2021. Collection method: clinical testing. Allele origin: germline. Affected: yes.
Comment: Not observed at significant frequency in large population cohorts (gnomAD); In silico analysis supports that this missense variant has a deleterious effect on protein structure/function; Has not been previously published as pathogenic or benign to our knowledge